The following is an entry in ClinVar:

NM_178014.4(TUBB):c.990G>A (p.Met330Ile)

Gene: TUBB (tubulin beta class I; plus strand). Cytogenetic location: 6p21.33.
Variant type: single nucleotide variant.
Coding change: c.990G>A on transcript NM_178014.4 (MANE Select); coding-DNA position 990, G replaced by A.
Protein change: p.Met330Ile; replaces methionine 330 with isoleucine.
Molecular consequence: missense variant. On other transcripts: non-coding transcript variant (1).
Genome position (GRCh38, 1-based): chr6:30,724,052, G>A. VCF-style: chr6-30724052-G-A. GRCh37 (hg19) VCF-style: chr6-30691829-G-A.
Other names: c.1050G>A, p.Met350Ile (NM_001293212.2); c.384G>A, p.Met128Ile (NM_001293213.2); c.858G>A, p.Met286Ile (NM_001293214.2); c.774G>A, p.Met258Ile (NM_001293215.2, NM_001293216.2); short protein forms M286I, M350I, M258I, M330I, M128I.
Identifiers: ClinVar variation 5007010 (VCV005007010.2).

ClinVar aggregate classification (germline): Uncertain significance (1 of 4 stars; one submission).

Conditions:
Complex cortical dysplasia with other brain malformations 6. Identifiers: MedGen C4014283, MONDO:0014341, OMIM 615771.
Skin creases, congenital symmetric circumferential, 1. Also called: Multiple benign circumferential skin creases on limbs 1; MICHELIN TIRE BABY SYNDROME; SKIN CREASES, MULTIPLE BENIGN RING-SHAPED, OF LIMBS; CIRCUMFERENTIAL SKIN CREASES, KUNZE TYPE. Identifiers: MedGen C4551592, MONDO:0020738, OMIM 156610.

gnomAD v4.1: 1 of 1,614,080 alleles (0.000062%); highest among the groups gnomAD compares: Non-Finnish European, 0.000085%; no homozygotes.

Submission:

Juno Genomics, Hangzhou Juno Genomics, Inc
Classification: Uncertain significance for Complex cortical dysplasia with other brain malformations 6; Skin creases, congenital symmetric circumferential, 1. Review status: criteria provided, single submitter. Criteria: ACMG Guidelines, 2015. Collection method: clinical testing. Allele origin: germline.
Comment: Missense variant in a gene that has a low rate of benign missense variation.;Multiple lines of computational evidence support a deleterious effect on the gene or gene product.;Absent from controls (or at extremely low frequency if recessive) in Genome Aggregation Database.